The following is an entry in ClinVar:

ClinVar aggregate classification (germline): Likely benign (1 of 4 stars; one submission).

Allele frequency attached by ClinVar (database versions not stated): gnomAD 0.01332 and 0.01431; 1000 Genomes Project 0.01378; 1000 Genomes Project 30x 0.01437; TOPMed 0.01560.
gnomAD v4.1: 2,007 of 152,250 alleles (1.3%); highest among the groups gnomAD compares: African/African-American, 4.6%; 44 homozygotes.

Submission:

GeneDx
Classification: Likely benign. Last evaluated: 2018-06-18. Review status: criteria provided, single submitter. Criteria: GeneDx Variant Classification (06012015). Collection method: clinical testing. Allele origin: germline. Affected: yes.
Comment: This variant is considered likely benign or benign based on one or more of the following criteria: it is a conservative change, it occurs at a poorly conserved position in the protein, it is predicted to be benign by multiple in silico algorithms, and/or has population frequency not consistent with disease.

NM_032578.4(MYPN):c.1131-308C>A

Gene: MYPN (myopalladin; plus strand). Cytogenetic location: 10q21.3.
Variant type: single nucleotide variant.
Coding change: c.1131-308C>A on transcript NM_032578.4 (MANE Select); 308 bases into the intron before coding-DNA position 1131, C replaced by A.
Molecular consequence: intron variant.
Genome position (GRCh38, 1-based): chr10:68,148,045, C>A. VCF-style: chr10-68148045-C-A. GRCh37 (hg19) VCF-style: chr10-69907802-C-A.
Other names: c.1131-308C>A (NM_001256267.2); c.249-308C>A (NM_001256268.2).
Identifiers: ClinVar variation 671881 (VCV000671881.1), dbSNP rs75509636, ClinGen allele CA208181450.